The following is an entry in ClinVar:

NM_006231.4(POLE):c.6803C>G (p.Ser2268Trp)

Gene: POLE (DNA polymerase epsilon, catalytic subunit; minus strand). Cytogenetic location: 12q24.33.
Variant type: single nucleotide variant.
Coding change: c.6803C>G on transcript NM_006231.4 (MANE Select); coding-DNA position 6803, C replaced by G.
Protein change: p.Ser2268Trp; replaces serine 2268 with tryptophan.
Molecular consequence: missense variant.
Genome position (GRCh38, 1-based): chr12:132,624,755, G>C on the plus strand (C>G on the coding strand, the complement: POLE is on the minus strand). VCF-style: chr12-132624755-G-C. GRCh37 (hg19) VCF-style: chr12-133201341-G-C.
Other names: c.6803C>G (NM_006231.2); short protein forms S2268W.
Identifiers: ClinVar variation 1904991 (VCV001904991.7), dbSNP rs373791036, ClinGen allele CA387365736.

ClinVar aggregate classification (germline): Uncertain significance. Review status: criteria provided, multiple submitters, no conflicts (2 of 4 stars). 2 submissions from 2 submitters: Uncertain significance (2). Last evaluated 2023-02-08.

Conditions:
Hereditary cancer-predisposing syndrome. Also called: Tumor predisposition; Neoplastic Syndromes, Hereditary; Hereditary Cancer Syndrome; Hereditary neoplastic syndrome. Identifiers: Orphanet 140162, MedGen C0027672, MeSH D009386, MONDO:0015356.

Submissions (2):

Ambry Genetics
Classification: Uncertain significance for Hereditary cancer-predisposing syndrome. Last evaluated: 2023-02-08. Review status: criteria provided, single submitter. Criteria: Ambry Variant Classification Scheme 2023. Collection method: clinical testing. Allele origin: germline.
Comment: The p.S2268W variant (also known as c.6803C>G), located in coding exon 49 of the POLE gene, results from a C to G substitution at nucleotide position 6803. The serine at codon 2268 is replaced by tryptophan, an amino acid with highly dissimilar properties. This amino acid position is conserved. In addition, this alteration is predicted to be tolerated by in silico analysis. Since supporting evidence is limited at this time, the clinical significance of this alteration remains unclear.

Labcorp Genetics (formerly Invitae), Labcorp
Classification: Uncertain significance. Last evaluated: 2022-03-18. Review status: criteria provided, single submitter. Criteria: Invitae Variant Classification Sherloc (09022015). Collection method: clinical testing. Allele origin: germline.
Comment: This sequence change replaces serine, which is neutral and polar, with tryptophan, which is neutral and slightly polar, at codon 2268 of the POLE protein (p.Ser2268Trp). This variant is not present in population databases (gnomAD no frequency). This variant has not been reported in the literature in individuals affected with POLE-related conditions. Algorithms developed to predict the effect of missense changes on protein structure and function are either unavailable or do not agree on the potential impact of this missense change (SIFT: "Deleterious"; PolyPhen-2: "Possibly Damaging"; Align-GVGD: "Class C0"). In summary, the available evidence is currently insufficient to determine the role of this variant in disease. Therefore, it has been classified as a Variant of Uncertain Significance.